The following is an entry in ClinVar:

ClinVar aggregate classification (germline): Uncertain significance (1 of 4 stars; one submission).

gnomAD v4.1: 1 of 1,613,254 alleles (0.000062%); highest among the groups gnomAD compares: South Asian, 0.0011%; no homozygotes.

Submission:

GeneDx
Classification: Uncertain significance. Last evaluated: 2026-03-17. Review status: criteria provided, single submitter. Criteria: GeneDx Variant Classification Process June 2021. Collection method: clinical testing. Allele origin: germline.
Comment: Not observed at significant frequency in large population cohorts (gnomAD); In silico analysis supports that this missense variant has a deleterious effect on protein structure/function; Has not been previously published as pathogenic or benign to our knowledge

NM_001330288.2(SMARCC2):c.620A>G (p.Tyr207Cys)

Gene: SMARCC2 (SWI/SNF related BAF chromatin remodeling complex subunit C2; minus strand). Cytogenetic location: 12q13.2.
Variant type: single nucleotide variant.
Coding change: c.620A>G on transcript NM_001330288.2 (MANE Select); coding-DNA position 620, A replaced by G.
Protein change: p.Tyr207Cys; replaces tyrosine 207 with cysteine.
Molecular consequence: missense variant.
Genome position (GRCh38, 1-based): chr12:56,183,873, T>C on the plus strand (A>G on the coding strand, the complement: SMARCC2 is on the minus strand). VCF-style: chr12-56183873-T-C. GRCh37 (hg19) VCF-style: chr12-56577657-T-C.
Other names: c.620A>G, p.Tyr207Cys (NM_001130420.3, NM_003075.5, NM_139067.4); short protein forms Y207C.
Identifiers: ClinVar variation 5009307 (VCV005009307.1).